The following is an entry in ClinVar:

ClinVar aggregate classification (germline): Uncertain significance (1 of 4 stars; one submission).

Conditions:
Hereditary cancer-predisposing syndrome. Also called: Neoplastic Syndromes, Hereditary; Tumor predisposition; Hereditary Cancer Syndrome; Hereditary neoplastic syndrome. Identifiers: Orphanet 140162, MedGen C0027672, MeSH D009386, MONDO:0015356.

Submission:

Ambry Genetics
Classification: Uncertain significance for Hereditary cancer-predisposing syndrome. Last evaluated: 2026-04-28. Review status: criteria provided, single submitter. Criteria: Ambry Variant Classification Scheme 2023. Collection method: clinical testing. Allele origin: germline.
Comment: The p.L342F variant (also known as c.1026G>C), located in coding exon 4 of the BLM gene, results from a G to C substitution at nucleotide position 1026. The leucine at codon 342 is replaced by phenylalanine, an amino acid with highly similar properties. This amino acid position is conserved. In addition, this alteration is predicted to be tolerated by in silico analysis. Based on the available evidence, the clinical significance of this variant remains unclear.

NM_000057.4(BLM):c.1026G>C (p.Leu342Phe)

Gene: BLM (BLM RecQ like helicase; plus strand). Cytogenetic location: 15q26.1.
Variant type: single nucleotide variant.
Coding change: c.1026G>C on transcript NM_000057.4 (MANE Select); coding-DNA position 1026, G replaced by C.
Protein change: p.Leu342Phe; replaces leucine 342 with phenylalanine.
Molecular consequence: missense variant. On other transcripts: 5 prime UTR variant (1).
Genome position (GRCh38, 1-based): chr15:90,754,877, G>C. VCF-style: chr15-90754877-G-C. GRCh37 (hg19) VCF-style: chr15-91298107-G-C.
Other names: c.1026G>C, p.Leu342Phe (NM_001287246.2, NM_001287247.2); c.-266G>C (NM_001287248.2); short protein forms L342F.
Identifiers: ClinVar variation 4867499 (VCV004867499.1).